The following is an entry in ClinVar:

NM_152393.4(KLHL40):c.211G>T (p.Glu71Ter)

Gene: KLHL40 (kelch like family member 40; plus strand). Cytogenetic location: 3p22.1.
Variant type: single nucleotide variant.
Coding change: c.211G>T on transcript NM_152393.4 (MANE Select); coding-DNA position 211, G replaced by T.
Protein change: p.Glu71Ter; replaces glutamic acid 71 with a stop codon.
Molecular consequence: nonsense.
Genome position (GRCh38, 1-based): chr3:42,685,829, G>T. VCF-style: chr3-42685829-G-T. GRCh37 (hg19) VCF-style: chr3-42727321-G-T.
Other names: short protein forms E71*.
Identifiers: ClinVar variation 961304 (VCV000961304.6), dbSNP rs375331819, ClinGen allele CA352288901.

ClinVar aggregate classification (germline): Pathogenic (1 of 4 stars; one submission).

Conditions:
Nemaline myopathy 8 (NEM8). Also called: Nemaline myopathy 8, autosomal recessive. Identifiers: Orphanet 171430, MedGen C3809209, MONDO:0014138, OMIM 615348.

Submission:

Labcorp Genetics (formerly Invitae), Labcorp
Classification: Pathogenic for Nemaline myopathy 8. Last evaluated: 2019-11-06. Review status: criteria provided, single submitter. Criteria: Invitae Variant Classification Sherloc (09022015). Collection method: clinical testing. Allele origin: germline.
Comment: This sequence change creates a premature translational stop signal (p.Glu71*) in the KLHL40 gene. It is expected to result in an absent or disrupted protein product. This variant is not present in population databases (ExAC no frequency). This variant has not been reported in the literature in individuals with KLHL40-related conditions. Loss-of-function variants in KLHL40 are known to be pathogenic (PMID: 23746549). For these reasons, this variant has been classified as Pathogenic.

Literature cited by the submitters: PubMed 23746549.